The following is an entry in ClinVar:

NM_005188.4(CBL):c.182A>G (p.Lys61Arg)

Genes: CBL (Cbl proto-oncogene; plus strand), LOC130006895 (ATAC-STARR-seq lymphoblastoid silent region 3975; plus strand). Cytogenetic location: 11q23.3.
Variant type: single nucleotide variant.
Coding change: c.182A>G on transcript NM_005188.4 (MANE Select); coding-DNA position 182, A replaced by G.
Protein change: p.Lys61Arg; replaces lysine 61 with arginine.
Molecular consequence: missense variant.
Genome position (GRCh38, 1-based): chr11:119,206,599, A>G. VCF-style: chr11-119206599-A-G. GRCh37 (hg19) VCF-style: chr11-119077309-A-G.
Other names: short protein forms K61R.
Identifiers: ClinVar variation 2789287 (VCV002789287.3), dbSNP rs2496819759, ClinGen allele CA382976688.

ClinVar aggregate classification (germline): Uncertain significance (1 of 4 stars; one submission).

Conditions:
RASopathy. Also called: Noonan spectrum disorder; rasopathies. Identifiers: Orphanet 536391, MedGen C5555857, MONDO:0021060.

Allele frequency attached by ClinVar (database versions not stated): gnomAD exomes below 0.00001.
gnomAD v4.1: 1 of 1,548,340 alleles (0.000065%); highest among the groups gnomAD compares: Non-Finnish European, 0.000087%; no homozygotes.

Submission:

Labcorp Genetics (formerly Invitae), Labcorp
Classification: Uncertain significance for RASopathy. Last evaluated: 2024-08-23. Review status: criteria provided, single submitter. Criteria: Invitae Variant Classification Sherloc (09022015). Collection method: clinical testing. Allele origin: germline.
Comment: This sequence change replaces lysine, which is basic and polar, with arginine, which is basic and polar, at codon 61 of the CBL protein (p.Lys61Arg). This variant is not present in population databases (gnomAD no frequency). This variant has not been reported in the literature in individuals affected with CBL-related conditions. Invitae Evidence Modeling of protein sequence and biophysical properties (such as structural, functional, and spatial information, amino acid conservation, physicochemical variation, residue mobility, and thermodynamic stability) has been performed for this missense variant. However, the output from this modeling did not meet the statistical confidence thresholds required to predict the impact of this variant on CBL protein function. In summary, the available evidence is currently insufficient to determine the role of this variant in disease. Therefore, it has been classified as a Variant of Uncertain Significance.